The following is an entry in ClinVar:

NM_006059.4(LAMC3):c.706A>G (p.Ile236Val)

Gene: LAMC3 (laminin subunit gamma 3; plus strand). Cytogenetic location: 9q34.12.
Variant type: single nucleotide variant.
Coding change: c.706A>G on transcript NM_006059.4 (MANE Select); coding-DNA position 706, A replaced by G.
Protein change: p.Ile236Val; replaces isoleucine 236 with valine.
Molecular consequence: missense variant.
Genome position (GRCh38, 1-based): chr9:131,032,072, A>G. VCF-style: chr9-131032072-A-G. GRCh37 (hg19) VCF-style: chr9-133907459-A-G.
Other names: c.706A>G (NM_006059.3); short protein forms I236V.
Identifiers: ClinVar variation 1927118 (VCV001927118.3), dbSNP rs767312790, ClinGen allele CA5286784.
Genomic context (GRCh38, chr9:131,032,072, plus strand): 5'-CCTGCTGATGGCACCCTCTCCCCTCTGCCCCAGGAGTGGGTCACCAGCACCGAACTCCTC[A>G]TCTCTCTAGACCGGCTCAACACGTTTGGGGACGACATCTTCAAGGACCCCAAGGTGCTCC-3'
Protein context (NP_006050.3, residues 226-246): QEWVTSTELL[Ile236Val]SLDRLNTFGD

ClinVar aggregate classification (germline): Uncertain significance. Review status: criteria provided, multiple submitters, no conflicts (2 of 4 stars). 2 submissions from 2 submitters: Uncertain significance (2). Last evaluated 2024-10-24.

Conditions:
Inborn genetic diseases. Identifiers: MedGen C0950123, MeSH D030342.

Allele frequency attached by ClinVar (database versions not stated): ExAC 0.00001; gnomAD exomes 0.00001; gnomAD 0.00002; TOPMed 0.00002.
gnomAD v4.1: 24 of 1,613,626 alleles (0.0015%); highest among the groups gnomAD compares: African/African-American, 0.0067%; no homozygotes.

Submissions (2):

Ambry Genetics
Classification: Uncertain significance for Inborn genetic diseases. Last evaluated: 2024-10-24. Review status: criteria provided, single submitter. Criteria: Ambry Variant Classification Scheme 2023. Collection method: clinical testing. Allele origin: germline.

Labcorp Genetics (formerly Invitae), Labcorp
Classification: Uncertain significance. Last evaluated: 2022-05-30. Review status: criteria provided, single submitter. Criteria: Invitae Variant Classification Sherloc (09022015). Collection method: clinical testing. Allele origin: germline.
Comment: This sequence change replaces isoleucine, which is neutral and non-polar, with valine, which is neutral and non-polar, at codon 236 of the LAMC3 protein (p.Ile236Val). This variant is present in population databases (rs767312790, gnomAD 0.02%). This variant has not been reported in the literature in individuals affected with LAMC3-related conditions. Algorithms developed to predict the effect of missense changes on protein structure and function output the following: SIFT: "Deleterious"; PolyPhen-2: "Benign"; Align-GVGD: "Class C25". The valine amino acid residue is found in multiple mammalian species, which suggests that this missense change does not adversely affect protein function. In summary, the available evidence is currently insufficient to determine the role of this variant in disease. Therefore, it has been classified as a Variant of Uncertain Significance.